The following is an entry in ClinVar:

ClinVar aggregate classification (germline): Uncertain significance (1 of 4 stars; one submission).

Conditions:
Dyskeratosis congenita. Identifiers: Orphanet 1775, MedGen C0265965, MONDO:0015780.

Allele frequency attached by ClinVar (database versions not stated): gnomAD exomes below 0.00001.
gnomAD v4.1: 1 of 1,614,194 alleles (0.000062%); highest among the groups gnomAD compares: Non-Finnish European, 0.000085%; no homozygotes.

Submission:

Labcorp Genetics (formerly Invitae), Labcorp
Classification: Uncertain significance for Dyskeratosis congenita. Last evaluated: 2022-01-02. Review status: criteria provided, single submitter. Criteria: Invitae Variant Classification Sherloc (09022015). Collection method: clinical testing. Allele origin: germline.
Comment: Algorithms developed to predict the effect of missense changes on protein structure and function are either unavailable or do not agree on the potential impact of this missense change (SIFT: "Deleterious"; PolyPhen-2: "Possibly Damaging"; Align-GVGD: "Class C0"). In summary, the available evidence is currently insufficient to determine the role of this variant in disease. Therefore, it has been classified as a Variant of Uncertain Significance. This variant has not been reported in the literature in individuals affected with CTC1-related conditions. This variant is not present in population databases (gnomAD no frequency). This sequence change replaces glutamine, which is neutral and polar, with arginine, which is basic and polar, at codon 93 of the CTC1 protein (p.Gln93Arg).

NM_025099.6(CTC1):c.278A>G (p.Gln93Arg)

Gene: CTC1 (CST telomere replication complex component 1; minus strand). Cytogenetic location: 17p13.1.
Variant type: single nucleotide variant.
Coding change: c.278A>G on transcript NM_025099.6 (MANE Select); coding-DNA position 278, A replaced by G.
Protein change: p.Gln93Arg; replaces glutamine 93 with arginine.
Molecular consequence: missense variant. On other transcripts: non-coding transcript variant (1).
Genome position (GRCh38, 1-based): chr17:8,238,549, T>C on the plus strand (A>G on the coding strand, the complement: CTC1 is on the minus strand). VCF-style: chr17-8238549-T-C. GRCh37 (hg19) VCF-style: chr17-8141867-T-C.
Other names: c.278A>G, p.Gln93Arg (NM_001411067.1); short protein forms Q93R.
Identifiers: ClinVar variation 2140793 (VCV002140793.4), dbSNP rs2507951392, ClinGen allele CA397993676.
Genomic context (GRCh38, chr17:8,238,549, plus strand): 5'-AGTAACAGCTGCTCTCGGGGCAGGGGGTTCCCATTTGGTCCAGCCTCTTGGGCCCAGGCC[T>C]GGTATGCACTACTGCTCCACGACAGGTGGCTGCAGCATGGGAGACGCTGGTGAGTCTTGA-3'
Protein context (NP_079375.3, residues 83-103): SHLSWSSSAY[Gln93Arg]AWAQEAGPNG